The following is an entry in ClinVar:

NM_003743.5(NCOA1):c.2375C>A (p.Thr792Asn)

Gene: NCOA1 (nuclear receptor coactivator 1; plus strand). Cytogenetic location: 2p23.3.
Variant type: single nucleotide variant.
Coding change: c.2375C>A on transcript NM_003743.5 (MANE Select); coding-DNA position 2375, C replaced by A.
Protein change: p.Thr792Asn; replaces threonine 792 with asparagine.
Molecular consequence: missense variant.
Genome position (GRCh38, 1-based): chr2:24,707,845, C>A. VCF-style: chr2-24707845-C-A. GRCh37 (hg19) VCF-style: chr2-24930714-C-A.
Other names: c.2375C>A, p.Thr792Asn (NM_001362950.1, NM_001362952.1, NM_001362954.1 and 3 more transcripts); short protein forms T792N.
Identifiers: ClinVar variation 3346323 (VCV003346323.1).

ClinVar aggregate classification (germline): Uncertain significance (0 of 4 stars; one submission).

Conditions:
NCOA1-related disorder. Also called: NCOA1-related condition.

Submission:

PreventionGenetics, part of Exact Sciences
Classification: Uncertain significance for NCOA1-related condition. Last evaluated: 2024-08-23. Review status: no assertion criteria provided. Collection method: clinical testing. Allele origin: germline.
Comment: The NCOA1 c.2375C>A variant is predicted to result in the amino acid substitution p.Thr792Asn. To our knowledge, this variant has not been reported in the literature or in a large population database, indicating this variant is rare. At this time, the clinical significance of this variant is uncertain due to the absence of conclusive functional and genetic evidence.